The following is an entry in ClinVar:

ClinVar aggregate classification (germline): Uncertain significance. Review status: criteria provided, single submitter (1 of 4 stars). 2 submissions from 2 submitters: Uncertain significance (1). 1 of the submissions does not count toward it. Last evaluated 2025-08-30.

Allele frequency attached by ClinVar (database versions not stated): gnomAD 0.00001; TOPMed 0.00001.
gnomAD v4.1: 5 of 1,612,466 alleles (0.00031%); highest among the groups gnomAD compares: Non-Finnish European, 0.00042%; no homozygotes.

Submissions (2):

Ambry Genetics
Classification: Uncertain significance. Last evaluated: 2025-08-30. Review status: criteria provided, single submitter. Criteria: Ambry Variant Classification Scheme 2023. Collection method: clinical testing. Allele origin: germline.

Department of Pathology and Laboratory Medicine, Sinai Health System
Classification: Uncertain significance. Review status: no assertion criteria provided. Collection method: clinical testing. Allele origin: unknown. Affected: yes. Study: The Canadian Open Genetics Repository (COGR). Not counted in ClinVar's aggregate classification.
Comment: The CD96 p.Ser167Thr variant was not identified in the literature nor was it identified in ClinVar or LOVD 3.0. The variant was identified in dbSNP (ID: rs532537422) and in control databases in 1 of 31398 chromosomes at a frequency of 0.00003185 (Genome Aggregation Database March 6, 2019, v2.1.1). The variant was observed in the European (non-Finnish) population in 1 of 15426 chromosomes (freq: 0.000065), but was not observed in the African, Latino, Ashkenazi Jewish, East Asian, European (Finnish), Other, or South Asian populations. The p.Ser167 residue is not conserved in mammals and computational analyses (PolyPhen-2, SIFT, AlignGVGD, BLOSUM, MutationTaster) do not suggest a high likelihood of impact to the protein; however, this information is not predictive enough to rule out pathogenicity. The variant occurs outside of the splicing consensus sequence and two of four in silico or computational prediction software programs (SpliceSiteFinder, MaxEntScan, NNSPLICE, GeneSplicer) predict a greater than 10% difference in splicing; this is not very predictive of pathogenicity. In summary, based on the above information the clinical significance of this variant cannot be determined with certainty at this time. This variant is classified as a variant of uncertain significance.

NM_005816.5(CD96):c.500G>C (p.Ser167Thr)

Gene: CD96 (CD96 molecule; plus strand). Cytogenetic location: 3q13.13.
Variant type: single nucleotide variant.
Coding change: c.500G>C on transcript NM_005816.5 (MANE Select); coding-DNA position 500, G replaced by C.
Protein change: p.Ser167Thr; replaces serine 167 with threonine.
Molecular consequence: missense variant. On other transcripts: non-coding transcript variant (1).
Genome position (GRCh38, 1-based): chr3:111,567,604, G>C. VCF-style: chr3-111567604-G-C. GRCh37 (hg19) VCF-style: chr3-111286451-G-C.
Other names: c.500G>C, p.Ser167Thr (NM_001318889.2, NM_198196.3); c.500G>C (NM_198196.2); short protein forms S167T.
Identifiers: ClinVar variation 1048843 (VCV001048843.2), dbSNP rs532537422, ClinGen allele CA2534189.